The following is an entry in ClinVar:

ClinVar aggregate classification (germline): Uncertain significance (1 of 4 stars; one submission).

Conditions:
Intellectual developmental disorder with autism and macrocephaly. Also called: Autism, susceptibility to, 18; CHD8-Related Neurodevelopmental Disorder with Overgrowth. Identifiers: Orphanet 642675, MedGen C3554373, MONDO:0014017, OMIM 615032.

Submission:

Laboratorio de Genetica e Diagnostico Molecular, Hospital Israelita Albert Einstein
Classification: Uncertain significance for Intellectual developmental disorder with autism and macrocephaly. Last evaluated: 2023-01-27. Review status: criteria provided, single submitter. Criteria: ACMG Guidelines, 2015. Collection method: clinical testing. Allele origin: germline. Affected: yes. Observed: 1 variant allele.
Comment: ACMG classification criteria: PM2 moderated, PP2 supporting

NM_001170629.2(CHD8):c.7724C>T (p.Ser2575Phe)

Gene: CHD8 (chromodomain helicase DNA binding protein 8; minus strand). Cytogenetic location: 14q11.2.
Variant type: single nucleotide variant.
Coding change: c.7724C>T on transcript NM_001170629.2 (MANE Select); coding-DNA position 7724, C replaced by T.
Protein change: p.Ser2575Phe; replaces serine 2575 with phenylalanine.
Molecular consequence: missense variant.
Genome position (GRCh38, 1-based): chr14:21,385,635, G>A on the plus strand (C>T on the coding strand, the complement: CHD8 is on the minus strand). VCF-style: chr14-21385635-G-A. GRCh37 (hg19) VCF-style: chr14-21853794-G-A.
Other names: c.6887C>T, p.Ser2296Phe (NM_020920.4); short protein forms S2296F, S2575F.
Identifiers: ClinVar variation 2431864 (VCV002431864.1), dbSNP rs2501810948, ClinGen allele CA388874138.